The following is an entry in ClinVar:

ClinVar aggregate classification (germline): Uncertain significance (1 of 4 stars; one submission).

Submission:

GeneDx
Classification: Uncertain significance. Last evaluated: 2024-01-03. Review status: criteria provided, single submitter. Criteria: GeneDx Variant Classification Process June 2021. Collection method: clinical testing. Allele origin: germline.
Comment: Not observed at significant frequency in large population cohorts (gnomAD); In silico analysis supports that this missense variant has a deleterious effect on protein structure/function; Has not been previously published as pathogenic or benign to our knowledge

NM_001353345.2(SETD1B):c.3242A>G (p.Glu1081Gly)

Gene: SETD1B (SET domain containing 1B, histone lysine methyltransferase; plus strand). Cytogenetic location: 12q24.31.
Variant type: single nucleotide variant.
Coding change: c.3242A>G on transcript NM_001353345.2 (MANE Select); coding-DNA position 3242, A replaced by G.
Protein change: p.Glu1081Gly; replaces glutamic acid 1081 with glycine.
Molecular consequence: missense variant.
Genome position (GRCh38, 1-based): chr12:121,817,634, A>G. VCF-style: chr12-121817634-A-G. GRCh37 (hg19) VCF-style: chr12-122255540-A-G.
Other names: short protein forms E1081G.
Identifiers: ClinVar variation 2663209 (VCV002663209.2), dbSNP rs2500214226, ClinGen allele CA386996427.